The following is an entry in ClinVar:

ClinVar aggregate classification (germline): Uncertain significance. Review status: criteria provided, multiple submitters, no conflicts (2 of 4 stars). 2 submissions from 2 submitters: Uncertain significance (2). Last evaluated 2025-04-10.

Conditions:
Spastic paraplegia. Identifiers: MedGen C0037772, HP:0001258.

Allele frequency attached by ClinVar (database versions not stated): gnomAD 0.00001; TOPMed 0.00001.

Submissions (2):

Ambry Genetics
Classification: Uncertain significance. Last evaluated: 2025-04-10. Review status: criteria provided, single submitter. Criteria: Ambry Variant Classification Scheme 2023. Collection method: clinical testing. Allele origin: germline.

Labcorp Genetics (formerly Invitae), Labcorp
Classification: Uncertain significance for Spastic paraplegia. Last evaluated: 2024-10-18. Review status: criteria provided, single submitter. Criteria: Invitae Variant Classification Sherloc (09022015). Collection method: clinical testing. Allele origin: germline.
Comment: This sequence change replaces arginine, which is basic and polar, with cysteine, which is neutral and slightly polar, at codon 117 of the ARSI protein (p.Arg117Cys). This variant is present in population databases (rs768025747, gnomAD 0.01%). This variant has not been reported in the literature in individuals affected with ARSI-related conditions. ClinVar contains an entry for this variant (Variation ID: 955502). An algorithm developed to predict the effect of missense changes on protein structure and function (PolyPhen-2) suggests that this variant is likely to be disruptive. In summary, the available evidence is currently insufficient to determine the role of this variant in disease. Therefore, it has been classified as a Variant of Uncertain Significance.

NM_001012301.4(ARSI):c.349C>T (p.Arg117Cys)

Gene: ARSI (arylsulfatase family member I; minus strand). Cytogenetic location: 5q32.
Variant type: single nucleotide variant.
Coding change: c.349C>T on transcript NM_001012301.4 (MANE Select); coding-DNA position 349, C replaced by T.
Protein change: p.Arg117Cys; replaces arginine 117 with cysteine.
Molecular consequence: missense variant.
Genome position (GRCh38, 1-based): chr5:150,298,575, G>A on the plus strand (C>T on the coding strand, the complement: ARSI is on the minus strand). VCF-style: chr5-150298575-G-A. GRCh37 (hg19) VCF-style: chr5-149678138-G-A.
Other names: short protein forms R117C.
Identifiers: ClinVar variation 955502 (VCV000955502.10), dbSNP rs768025747, ClinGen allele CA3510352.